The following is an entry in ClinVar:

ClinVar aggregate classification (germline): Uncertain significance. Review status: criteria provided, multiple submitters, no conflicts (2 of 4 stars). 5 submissions from 5 submitters: Uncertain significance (5). Last evaluated 2024-12-31.

Conditions:
Congenital microcephaly - severe encephalopathy - progressive cerebral atrophy syndrome. Also called: ASNS DEFICIENCY; Asparagine synthetase deficiency. Identifiers: Orphanet 391376, MedGen C3809971, MONDO:0014258, OMIM 615574.
Inborn genetic diseases. Identifiers: MedGen C0950123, MeSH D030342.

Allele frequency attached by ClinVar (database versions not stated): gnomAD 0.00003 and 0.00004; TOPMed 0.00005; ExAC 0.00006; ESP Exome Variant Server 0.00008; gnomAD exomes 0.00008.
gnomAD v4.1: 120 of 1,610,822 alleles (0.0074%); highest among the groups gnomAD compares: Middle Eastern, 0.039%; no homozygotes.

Submissions (5):

Ambry Genetics
Classification: Uncertain significance for Inborn genetic diseases. Last evaluated: 2024-12-31. Review status: criteria provided, single submitter. Criteria: Ambry Variant Classification Scheme 2023. Collection method: clinical testing. Allele origin: germline.

Blueprint Genetics
Classification: Uncertain significance. Last evaluated: 2024-09-25. Review status: criteria provided, single submitter. Criteria: ACMG Guidelines, 2015. Collection method: clinical testing. Allele origin: germline.

GeneDx
Classification: Uncertain significance. Last evaluated: 2024-08-06. Review status: criteria provided, single submitter. Criteria: GeneDx Variant Classification Process June 2021. Collection method: clinical testing. Allele origin: germline. Affected: yes.
Comment: In silico analysis indicates that this missense variant does not alter protein structure/function; Has not been previously published as pathogenic or benign to our knowledge

Labcorp Genetics (formerly Invitae), Labcorp
Classification: Uncertain significance. Last evaluated: 2022-06-22. Review status: criteria provided, single submitter. Criteria: Invitae Variant Classification Sherloc (09022015). Collection method: clinical testing. Allele origin: germline.
Comment: This sequence change replaces arginine, which is basic and polar, with glutamine, which is neutral and polar, at codon 353 of the ASNS protein (p.Arg353Gln). This variant is present in population databases (rs377342766, gnomAD 0.03%). This variant has not been reported in the literature in individuals affected with ASNS-related conditions. ClinVar contains an entry for this variant (Variation ID: 1195918). Advanced modeling of protein sequence and biophysical properties (such as structural, functional, and spatial information, amino acid conservation, physicochemical variation, residue mobility, and thermodynamic stability) performed at Invitae indicates that this missense variant is expected to disrupt ASNS protein function. In summary, the available evidence is currently insufficient to determine the role of this variant in disease. Therefore, it has been classified as a Variant of Uncertain Significance.

Genome-Nilou Lab
Classification: Uncertain significance for Congenital microcephaly - severe encephalopathy - progressive cerebral atrophy syndrome. Last evaluated: 2021-07-14. Review status: criteria provided, single submitter. Criteria: ACMG Guidelines, 2015. Collection method: clinical testing. Allele origin: germline. Affected: no.

NM_001673.5(ASNS):c.1058G>A (p.Arg353Gln)

Genes: ASNS (asparagine synthetase (glutamine-hydrolyzing); minus strand), CZ1P-ASNS (CZ1P-ASNS readthrough; minus strand). Cytogenetic location: 7q21.3.
Variant type: single nucleotide variant.
Coding change: c.1058G>A on transcript NM_001673.5 (MANE Select); coding-DNA position 1058, G replaced by A.
Protein change: p.Arg353Gln; replaces arginine 353 with glutamine.
Molecular consequence: missense variant. On other transcripts: non-coding transcript variant (1).
Genome position (GRCh38, 1-based): chr7:97,855,432, C>T on the plus strand (G>A on the coding strand, the complement: ASNS is on the minus strand). VCF-style: chr7-97855432-C-T. GRCh37 (hg19) VCF-style: chr7-97484744-C-T.
Other names: c.995G>A, p.Arg332Gln (NM_001178075.2); c.809G>A, p.Arg270Gln (NM_001178076.2, NM_001178077.1); c.1058G>A, p.Arg353Gln (NM_001352496.2, NM_133436.3, NM_183356.4); short protein forms R270Q, R332Q, R353Q.
Identifiers: ClinVar variation 1195918 (VCV001195918.8), dbSNP rs377342766, ClinGen allele CA4354611.